The following is an entry in ClinVar:

NM_139027.6(ADAMTS13):c.3171G>A (p.Ala1057=)

Gene: ADAMTS13 (ADAM metallopeptidase with thrombospondin type 1 motif 13; plus strand). Cytogenetic location: 9q34.2.
Variant type: single nucleotide variant.
Coding change: c.3171G>A on transcript NM_139027.6 (MANE Select); coding-DNA position 3171, G replaced by A.
Protein change: p.Ala1057=; no amino-acid change (alanine 1057 retained).
Molecular consequence: synonymous variant. On other transcripts: non-coding transcript variant (1).
Genome position (GRCh38, 1-based): chr9:133,454,541, G>A. VCF-style: chr9-133454541-G-A. GRCh37 (hg19) VCF-style: chr9-136319663-G-A.
Other names: p.Ala1057=; c.3171G>A, p.Ala1057= (NM_139025.5); c.3078G>A, p.Ala1026= (NM_139026.6).
Identifiers: ClinVar variation 728875 (VCV000728875.17), dbSNP rs36222580, ClinGen allele CA200943187.
Genomic context (GRCh38, chr9:133,454,541, plus strand): 5'-GGCCTGTGTGCAGCTCGACCAAGGCCAGGACGTGGAGGTGGACGAGGCGGCCTGTGCGGC[G>A]CTGGTGCGGCCCGAGGCCAGTGTCCCCTGTCTCATTGCCGACTGCACCTACCGCTGGCAT-3'
Protein context (NP_620596.2, residues 1047-1067): DVEVDEAACA[Ala1057=]LVRPEASVPC

ClinVar aggregate classification (germline): Benign/Likely benign. Review status: criteria provided, multiple submitters, no conflicts (2 of 4 stars). 6 submissions from 6 submitters: Benign (1); Likely benign (5). Last evaluated 2026-02-01.

Allele frequency attached by ClinVar (database versions not stated): ESP Exome Variant Server 0.00315; ExAC 0.00074; 1000 Genomes Project 0.00240; gnomAD 0.00247 and 0.00268; 1000 Genomes Project 30x 0.00281; TOPMed 0.00295.
gnomAD v4.1: 770 of 1,609,504 alleles (0.048%); highest among the groups gnomAD compares: African/African-American, 0.9%; 4 homozygotes.

Submissions (6):

Labcorp Genetics (formerly Invitae), Labcorp
Classification: Benign. Last evaluated: 2026-02-01. Review status: criteria provided, single submitter. Criteria: Invitae Variant Classification Sherloc (09022015). Collection method: clinical testing. Allele origin: germline.

Women's Health and Genetics/Laboratory Corporation of America, LabCorp
Classification: Likely benign. Last evaluated: 2025-11-25. Review status: criteria provided, single submitter. Criteria: LabCorp Variant Classification Summary - May 2015. Collection method: clinical testing. Allele origin: germline.

Mayo Clinic Laboratories, Mayo Clinic
Classification: Likely benign. Last evaluated: 2025-02-04. Review status: criteria provided, single submitter. Criteria: ACMG Guidelines, 2015. Collection method: clinical testing. Allele origin: germline. Observed: 20 variant alleles.
Comment: BS1, BP4, BP7

Blueprint Genetics
Classification: Likely benign. Last evaluated: 2024-10-03. Review status: criteria provided, single submitter. Criteria: ACMG Guidelines, 2015. Collection method: clinical testing. Allele origin: germline.

Genetic Services Laboratory, University of Chicago
Classification: Likely benign. Last evaluated: 2018-03-29. Review status: criteria provided, single submitter. Criteria: ACMG Guidelines, 2015. Collection method: clinical testing. Allele origin: germline. Affected: no.

Breakthrough Genomics
Classification: Likely benign. Review status: criteria provided, single submitter. Criteria: ACMG Guidelines, 2015. Collection method: not provided. Allele origin: germline. Inheritance: Autosomal recessive inheritance. Affected: yes.